The following is an entry in ClinVar:

ClinVar aggregate classification (germline): Uncertain significance (1 of 4 stars; one submission).

Allele frequency attached by ClinVar (database versions not stated): gnomAD exomes below 0.00001.
gnomAD v4.1: 1 of 1,611,280 alleles (0.000062%); highest among the groups gnomAD compares: South Asian, 0.0011%; no homozygotes.

Submission:

Labcorp Genetics (formerly Invitae), Labcorp
Classification: Uncertain significance. Last evaluated: 2025-11-19. Review status: criteria provided, single submitter. Criteria: Invitae Variant Classification Sherloc (09022015). Collection method: clinical testing. Allele origin: germline.
Comment: This sequence change replaces aspartic acid, which is acidic and polar, with asparagine, which is neutral and polar, at codon 285 of the IKZF1 protein (p.Asp285Asn). This variant is not present in population databases (gnomAD no frequency). This variant has not been reported in the literature in individuals affected with IKZF1-related conditions. ClinVar contains an entry for this variant (Variation ID: 2012979). An algorithm developed to predict the effect of missense changes on protein structure and function (PolyPhen-2) suggests that this variant is likely to be tolerated. In summary, the available evidence is currently insufficient to determine the role of this variant in disease. Therefore, it has been classified as a Variant of Uncertain Significance.

NM_006060.6(IKZF1):c.853G>A (p.Asp285Asn)

Gene: IKZF1 (IKAROS family zinc finger 1; plus strand). Cytogenetic location: 7p12.2.
Variant type: single nucleotide variant.
Coding change: c.853G>A on transcript NM_006060.6 (MANE Select); coding-DNA position 853, G replaced by A.
Protein change: p.Asp285Asn; replaces aspartic acid 285 with asparagine.
Molecular consequence: missense variant.
Genome position (GRCh38, 1-based): chr7:50,399,920, G>A. VCF-style: chr7-50399920-G-A. GRCh37 (hg19) VCF-style: chr7-50467618-G-A.
Other names: c.727G>A, p.Asp243Asn (NM_001220765.3, NM_001291837.2); c.562G>A, p.Asp188Asn (NM_001220767.2); c.592G>A, p.Asp198Asn (NM_001220768.2, NM_001291838.2); c.436G>A, p.Asp146Asn (NM_001220770.2); c.424G>A, p.Asp142Asn (NM_001220771.2, NM_001291841.1); c.466G>A, p.Asp156Asn (NM_001291839.2); c.163G>A, p.Asp55Asn (NM_001291840.1); c.394G>A, p.Asp132Asn (NM_001291842.1); and 3 more; short protein forms D198N, D285N, D100N, D142N, D146N, D156N, D305N, D90N.
Identifiers: ClinVar variation 2012979 (VCV002012979.4), dbSNP rs2538911815, ClinGen allele CA367523884.